The following is an entry in ClinVar:

NM_024592.5(SRD5A3):c.697+1G>C

Genes: SRD5A3-AS1 (SRD5A3 antisense RNA 1; minus strand), SRD5A3 (steroid 5 alpha-reductase 3; plus strand). Cytogenetic location: 4q12.
Variant type: single nucleotide variant.
Coding change: c.697+1G>C on transcript NM_024592.5 (MANE Select); the canonical splice donor site of the intron after coding-DNA position 697, G replaced by C.
Molecular consequence: splice donor variant. On other transcripts: intron variant (1).
Genome position (GRCh38, 1-based): chr4:55,367,723, G>C. VCF-style: chr4-55367723-G-C. GRCh37 (hg19) VCF-style: chr4-56233890-G-C.
Other names: c.563-2109G>C (NM_001410732.1).
Identifiers: ClinVar variation 1686229 (VCV001686229.7), dbSNP rs1719958144, ClinGen allele CA356957992.

ClinVar aggregate classification (germline): Pathogenic/Likely pathogenic. Review status: criteria provided, multiple submitters, no conflicts (2 of 4 stars). 4 submissions from 4 submitters: Pathogenic (3); Likely pathogenic (1). Last evaluated 2025-07-03.

Conditions:
Autosomal recessive SRD5A3-related disorders.
Kahrizi syndrome (KHRZ). Also called: MENTAL RETARDATION, CATARACT, COLOBOMA, AND KYPHOSIS, AUTOSOMAL RECESSIVE. Identifiers: MedGen C2675185, MONDO:0012991, OMIM 612713.
SRD5A3-congenital disorder of glycosylation. Also called: SRD5A3-CDG; Ocular colobomas, ichthyosis, brain malformations and endocrine abnormalities; COLOBOMA, OCULAR, WITH ICHTHYOSIS, BRAIN MALFORMATIONS, AND ENDOCRINE ABNORMALITIES; Congenital disorder of glycosylation type 1Q; CDG Iq. Identifiers: Orphanet 324737, MedGen C4317224, MONDO:0012885, OMIM 612379.

Submissions (4):

Variantyx, Inc.
Classification: Pathogenic for Autosomal recessive SRD5A3-related disorders. Last evaluated: 2025-07-03. Review status: criteria provided, single submitter. Criteria: Variantyx Assertion Criteria 2022. Collection method: clinical testing. Allele origin: germline. Inheritance: Autosomal recessive inheritance. Affected: no.
Comment: This is a canonical splicing variant in the SRD5A3 gene (OMIM: 611715). Pathogenic variants in this gene have been associated with autosomal recessive SRD5A3-related disorders. This splicing variant is expected to result in loss of function, which is a known disease mechanism for SRD5A3 in this disorder (PMID: 35279850) (PVS1). This variant has been identified in the homozygous or compound heterozygous state in at least 2 individuals reported in the published literature (PMID: 35279850) (PM3) and is absent from control populations (PM2). Based on the current evidence, this variant is classified as pathogenic for autosomal recessive SRD5A3-related disorders.

3billion
Classification: Likely pathogenic for Kahrizi syndrome. Last evaluated: 2024-11-18. Review status: criteria provided, single submitter. Criteria: ACMG Guidelines, 2015. Collection method: clinical testing. Allele origin: germline. Affected: yes.
Comment: The variant is not observed in the gnomAD v4.1.0 dataset. Predicted Consequence/Location: Canonical splice site: predicted to alter splicing and result in a loss or disruption of normal protein function. The predicted truncated protein may be shortened by more than 10%. In silico tools predict the variant to alter splicing and produce an abnormal transcript [SpliceAI: 0.89 (spliceogenicity >=0.2, non-spliceogenicity <0.1)]. The variant has been reported to be associated with SRD5A3-related disorder (PMID: 35279850). Therefore, this variant is classified as Likely pathogenic according to the recommendation of ACMG/AMP guideline.

Labcorp Genetics (formerly Invitae), Labcorp
Classification: Pathogenic for SRD5A3-congenital disorder of glycosylation. Last evaluated: 2024-11-11. Review status: criteria provided, single submitter. Criteria: Invitae Variant Classification Sherloc (09022015). Collection method: clinical testing. Allele origin: germline.
Comment: This sequence change affects a donor splice site in intron 4 of the SRD5A3 gene. While this variant is not anticipated to result in nonsense mediated decay, it likely alters RNA splicing and results in a disrupted protein product. This variant is not present in population databases (gnomAD no frequency). Disruption of this splice site has been observed in individual(s) with congenital disorder of glycosylation type 1q (PMID: 35279850). ClinVar contains an entry for this variant (Variation ID: 1686229). Variants that disrupt the consensus splice site are a relatively common cause of aberrant splicing (PMID: 17576681, 9536098). Algorithms developed to predict the effect of sequence changes on RNA splicing suggest that this variant may disrupt the consensus splice site. This variant disrupts a region of the SRD5A3 protein in which other variant(s) (p.Pro307Arg) have been observed in individuals with SRD5A3-related conditions (PMID: 27480077). This suggests that this is a clinically significant region of the protein, and that variants that disrupt it are likely to be disease-causing. For these reasons, this variant has been classified as Pathogenic.

Mendelics
Classification: Pathogenic for SRD5A3-congenital disorder of glycosylation. Last evaluated: 2022-05-04. Review status: criteria provided, single submitter. Criteria: Mendelics Assertion Criteria 2019. Collection method: clinical testing. Allele origin: germline.

Literature cited by the submitters: PubMed 35279850 (cited by 3 submitters); PubMed 17576681 (cited by Labcorp Genetics (formerly Invitae), Labcorp); PubMed 9536098 (cited by Labcorp Genetics (formerly Invitae), Labcorp); PubMed 27480077 (cited by Labcorp Genetics (formerly Invitae), Labcorp).